The following is an entry in ClinVar:

NM_031935.3(HMCN1):c.11446A>C (p.Ile3816Leu)

Gene: HMCN1 (hemicentin 1; plus strand). Cytogenetic location: 1q31.1.
Variant type: single nucleotide variant.
Coding change: c.11446A>C on transcript NM_031935.3 (MANE Select); coding-DNA position 11446, A replaced by C.
Protein change: p.Ile3816Leu; replaces isoleucine 3816 with leucine.
Molecular consequence: missense variant.
Genome position (GRCh38, 1-based): chr1:186,115,299, A>C. VCF-style: chr1-186115299-A-C. GRCh37 (hg19) VCF-style: chr1-186084431-A-C.
Other names: short protein forms I3816L.
Identifiers: ClinVar variation 2995106 (VCV002995106.3), dbSNP rs370349815, ClinGen allele CA1294055.

ClinVar aggregate classification (germline): Uncertain significance (1 of 4 stars; one submission).

Allele frequency attached by ClinVar (database versions not stated): ExAC 0.00001; gnomAD 0.00001; TOPMed 0.00002; ESP Exome Variant Server 0.00008.
gnomAD v4.1: 10 of 1,613,920 alleles (0.00062%); highest among the groups gnomAD compares: African/African-American, 0.012%; no homozygotes.

Submission:

Labcorp Genetics (formerly Invitae), Labcorp
Classification: Uncertain significance. Last evaluated: 2023-12-30. Review status: criteria provided, single submitter. Criteria: Invitae Variant Classification Sherloc (09022015). Collection method: clinical testing. Allele origin: germline.
Comment: This sequence change replaces isoleucine, which is neutral and non-polar, with leucine, which is neutral and non-polar, at codon 3816 of the HMCN1 protein (p.Ile3816Leu). This variant is present in population databases (rs370349815, gnomAD 0.008%). This variant has not been reported in the literature in individuals affected with HMCN1-related conditions. An algorithm developed to predict the effect of missense changes on protein structure and function (PolyPhen-2) suggests that this variant is likely to be tolerated. In summary, the available evidence is currently insufficient to determine the role of this variant in disease. Therefore, it has been classified as a Variant of Uncertain Significance.